The following is an entry in ClinVar:

NM_004360.5(CDH1):c.1581A>G (p.Arg527=)

Gene: CDH1 (cadherin 1; plus strand). Cytogenetic location: 16q22.1.
Variant type: single nucleotide variant.
Coding change: c.1581A>G on transcript NM_004360.5 (MANE Select); coding-DNA position 1581, A replaced by G.
Protein change: p.Arg527=; no amino-acid change (arginine 527 retained).
Molecular consequence: synonymous variant. On other transcripts: intron variant (1).
Genome position (GRCh38, 1-based): chr16:68,819,295, A>G. VCF-style: chr16-68819295-A-G. GRCh37 (hg19) VCF-style: chr16-68853198-A-G.
Other names: c.1398A>G, p.Arg466= (NM_001317184.2); c.33A>G, p.Arg11= (NM_001317185.2); c.-254-2706A>G (NM_001317186.2).
Identifiers: ClinVar variation 1106202 (VCV001106202.10), dbSNP rs2152136765, ClinGen allele CA496154307.

ClinVar aggregate classification (germline): Benign/Likely benign. Review status: criteria provided, multiple submitters, no conflicts (2 of 4 stars). 2 submissions from 2 submitters: Benign (1); Likely benign (1). Last evaluated 2024-09-19.

Conditions:
Hereditary diffuse gastric adenocarcinoma (HDGC). Also called: DIFFUSE GASTRIC AND LOBULAR BREAST CANCER SYNDROME. Identifiers: Orphanet 26106, MedGen C1708349, MONDO:0007648, OMIM 137215.

Submissions (2):

Myriad Genetics, Inc.
Classification: Benign for Hereditary diffuse gastric adenocarcinoma. Last evaluated: 2024-09-19. Review status: criteria provided, single submitter. Criteria: Myriad Autosomal Dominant, Autosomal Recessive and X-Linked Classification Criteria (2023). Collection method: clinical testing. Allele origin: unknown.
Comment: This variant is considered benign. This variant is a silent/synonymous amino acid change and it is not expected to impact splicing.

Labcorp Genetics (formerly Invitae), Labcorp
Classification: Likely benign for Hereditary diffuse gastric adenocarcinoma. Last evaluated: 2020-09-16. Review status: criteria provided, single submitter. Criteria: Invitae Variant Classification Sherloc (09022015). Collection method: clinical testing. Allele origin: germline.